The following is an entry in ClinVar:

ClinVar aggregate classification (germline): Uncertain significance (1 of 4 stars; one submission).

gnomAD v4.1: 1 of 1,612,064 alleles (0.000062%); highest among the groups gnomAD compares: Non-Finnish European, 0.000085%; no homozygotes.

Submission:

Labcorp Genetics (formerly Invitae), Labcorp
Classification: Uncertain significance. Last evaluated: 2024-06-24. Review status: criteria provided, single submitter. Criteria: Invitae Variant Classification Sherloc (09022015). Collection method: clinical testing. Allele origin: germline.
Comment: This sequence change replaces arginine, which is basic and polar, with glycine, which is neutral and non-polar, at codon 1462 of the SMARCA2 protein (p.Arg1462Gly). This variant is not present in population databases (gnomAD no frequency). This variant has not been reported in the literature in individuals affected with SMARCA2-related conditions. ClinVar contains an entry for this variant (Variation ID: 2031727). Advanced modeling of protein sequence and biophysical properties (such as structural, functional, and spatial information, amino acid conservation, physicochemical variation, residue mobility, and thermodynamic stability) performed at Invitae indicates that this missense variant is not expected to disrupt SMARCA2 protein function with a negative predictive value of 80%. In summary, the available evidence is currently insufficient to determine the role of this variant in disease. Therefore, it has been classified as a Variant of Uncertain Significance.

NM_003070.5(SMARCA2):c.4384C>G (p.Arg1462Gly)

Gene: SMARCA2 (SWI/SNF related BAF chromatin remodeling complex subunit ATPase 2; plus strand). Cytogenetic location: 9p24.3.
Variant type: single nucleotide variant.
Coding change: c.4384C>G on transcript NM_003070.5 (MANE Select); coding-DNA position 4384, C replaced by G.
Protein change: p.Arg1462Gly; replaces arginine 1462 with glycine.
Molecular consequence: missense variant.
Genome position (GRCh38, 1-based): chr9:2,182,165, C>G. VCF-style: chr9-2182165-C-G. GRCh37 (hg19) VCF-style: chr9-2182165-C-G.
Other names: c.4384C>G, p.Arg1462Gly (NM_001289396.2); c.4156C>G, p.Arg1386Gly (NM_001289397.2); c.358C>G, p.Arg120Gly (NM_001289398.2); c.442C>G, p.Arg148Gly (NM_001289399.2); c.448C>G, p.Arg150Gly (NM_001289400.2); c.4330C>G, p.Arg1444Gly (NM_139045.4); short protein forms R148G, R120G, R1444G, R150G, R1386G, R1462G.
Identifiers: ClinVar variation 2031727 (VCV002031727.4), dbSNP rs774671393, ClinGen allele CA372789961.